The following is an entry in ClinVar:

NM_019066.5(MAGEL2):c.504G>A (p.Pro168=)

Gene: MAGEL2 (MAGE family member L2; minus strand). Cytogenetic location: 15q11.2.
Variant type: single nucleotide variant.
Coding change: c.504G>A on transcript NM_019066.5 (MANE Select); coding-DNA position 504, G replaced by A.
Protein change: p.Pro168=; no amino-acid change (proline 168 retained).
Molecular consequence: synonymous variant.
Genome position (GRCh38, 1-based): chr15:23,647,239, C>T on the plus strand (G>A on the coding strand, the complement: MAGEL2 is on the minus strand). VCF-style: chr15-23647239-C-T. GRCh37 (hg19) VCF-style: chr15-23892386-C-T.
Identifiers: ClinVar variation 2645001 (VCV002645001.25), dbSNP rs757734525, ClinGen allele CA267661476.

ClinVar aggregate classification (germline): Conflicting classifications of pathogenicity. Review status: criteria provided, conflicting classifications (1 of 4 stars). 2 submissions from 2 submitters: Uncertain significance (1); Likely benign (1). Last evaluated 2026-07-01.

Allele frequency attached by ClinVar (database versions not stated): gnomAD exomes 0.00001; gnomAD 0.00002.
gnomAD v4.1: 11 of 1,525,878 alleles (0.00072%); highest among the groups gnomAD compares: African/African-American, 0.0041%; no homozygotes.

Submissions (2):

CeGaT Center for Human Genetics Tuebingen
Classification: Likely benign. Last evaluated: 2026-07-01. Review status: criteria provided, single submitter. Criteria: CeGaT Center For Human Genetics Tuebingen Variant Classification Criteria Version 2. Collection method: clinical testing. Allele origin: germline. Affected: yes. Observed: 5 variant alleles.
Comment: MAGEL2: BP4, BP7

Labcorp Genetics (formerly Invitae), Labcorp
Classification: Uncertain significance. Last evaluated: 2025-06-11. Review status: criteria provided, single submitter. Criteria: Invitae Variant Classification Sherloc (09022015). Collection method: clinical testing. Allele origin: germline.
Comment: This sequence change affects codon 168 of the MAGEL2 mRNA. It is a 'silent' change, meaning that it does not change the encoded amino acid sequence of the MAGEL2 protein. The frequency data for this variant in the population databases is considered unreliable, as metrics indicate poor data quality at this position in the gnomAD database. This variant has not been reported in the literature in individuals affected with MAGEL2-related conditions. ClinVar contains an entry for this variant (Variation ID: 2645001). In summary, the available evidence is currently insufficient to determine the role of this variant in disease. Therefore, it has been classified as a Variant of Uncertain Significance.